The following is an entry in ClinVar:

ClinVar aggregate classification (germline): Uncertain significance. Review status: criteria provided, multiple submitters, no conflicts (2 of 4 stars). 3 submissions from 3 submitters: Uncertain significance (3). Last evaluated 2025-06-12.

Conditions:
Familial thoracic aortic aneurysm and aortic dissection (TAAD). Also called: Thoracic aortic aneurysms and dissections. Identifiers: Orphanet 91387, MedGen C4707243, MONDO:0019625.
Ehlers-Danlos syndrome, classic type, 1 (EDSCL1). Also called: Ehlers-Danlos syndrome, type 1; EDS I; EHLERS-DANLOS SYNDROME, GRAVIS TYPE; EHLERS-DANLOS SYNDROME, SEVERE CLASSIC TYPE; Ehlers-Danlos Syndrome, Classic Type, COL5A1-Related. Identifiers: MedGen C0268335, MONDO:0019567, OMIM 130000.

Allele frequency attached by ClinVar (database versions not stated): gnomAD 0.00001.
gnomAD v4.1: 12 of 1,613,452 alleles (0.00074%); highest among the groups gnomAD compares: East Asian, 0.0045%; no homozygotes.

Submissions (3):

Ambry Genetics
Classification: Uncertain significance for Familial thoracic aortic aneurysm and aortic dissection. Last evaluated: 2025-06-12. Review status: criteria provided, single submitter. Criteria: Ambry Variant Classification Scheme 2023. Collection method: clinical testing. Allele origin: germline.
Comment: The p.P190L variant (also known as c.569C>T), located in coding exon 8 of the COL5A2 gene, results from a C to T substitution at nucleotide position 569. The proline at codon 190 is replaced by leucine, an amino acid with similar properties. This amino acid position is highly conserved in available vertebrate species. In addition, the in silico prediction for this alteration is inconclusive. Since supporting evidence is limited at this time, the clinical significance of this alteration remains unclear.

CeGaT Center for Human Genetics Tuebingen
Classification: Uncertain significance. Last evaluated: 2024-03-01. Review status: criteria provided, single submitter. Criteria: CeGaT Center For Human Genetics Tuebingen Variant Classification Criteria Version 2. Collection method: clinical testing. Allele origin: germline. Affected: yes. Observed: 2 variant alleles.

Labcorp Genetics (formerly Invitae), Labcorp
Classification: Uncertain significance for Ehlers-Danlos syndrome, classic type, 1. Last evaluated: 2023-11-11. Review status: criteria provided, single submitter. Criteria: Invitae Variant Classification Sherloc (09022015). Collection method: clinical testing. Allele origin: germline.
Comment: This sequence change replaces proline, which is neutral and non-polar, with leucine, which is neutral and non-polar, at codon 190 of the COL5A2 protein (p.Pro190Leu). This variant is present in population databases (rs774969990, gnomAD 0.006%). This variant has not been reported in the literature in individuals affected with COL5A2-related conditions. ClinVar contains an entry for this variant (Variation ID: 942146). An algorithm developed to predict the effect of missense changes on protein structure and function (PolyPhen-2) suggests that this variant is likely to be disruptive. In summary, the available evidence is currently insufficient to determine the role of this variant in disease. Therefore, it has been classified as a Variant of Uncertain Significance.

NM_000393.5(COL5A2):c.569C>T (p.Pro190Leu)

Gene: COL5A2 (collagen type V alpha 2 chain; minus strand). Cytogenetic location: 2q32.2.
Variant type: single nucleotide variant.
Coding change: c.569C>T on transcript NM_000393.5 (MANE Select); coding-DNA position 569, C replaced by T.
Protein change: p.Pro190Leu; replaces proline 190 with leucine.
Molecular consequence: missense variant.
Genome position (GRCh38, 1-based): chr2:189,088,771, G>A on the plus strand (C>T on the coding strand, the complement: COL5A2 is on the minus strand). VCF-style: chr2-189088771-G-A. GRCh37 (hg19) VCF-style: chr2-189953497-G-A.
Other names: short protein forms P190L.
Identifiers: ClinVar variation 942146 (VCV000942146.31), dbSNP rs774969990, ClinGen allele CA2023016.